The following is an entry in ClinVar:

NM_004360.5(CDH1):c.1321-37T>C

Gene: CDH1 (cadherin 1; plus strand). Cytogenetic location: 16q22.1.
Variant type: single nucleotide variant.
Coding change: c.1321-37T>C on transcript NM_004360.5 (MANE Select); 37 bases into the intron before coding-DNA position 1321, T replaced by C.
Molecular consequence: intron variant.
Genome position (GRCh38, 1-based): chr16:68,815,478, T>C. VCF-style: chr16-68815478-T-C. GRCh37 (hg19) VCF-style: chr16-68849381-T-C.
Other names: c.-228-37T>C (NM_001317185.2); c.-499-37T>C (NM_001317186.2); c.1138-37T>C (NM_001317184.2).
Identifiers: ClinVar variation 2502953 (VCV002502953.1), dbSNP rs1286985331, ClinGen allele CA623136891.
Genomic context (GRCh38, chr16:68,815,478, plus strand): 5'-AATATATTACCAAAAGCAACAGTTAAGGATTTAATTTTATTTTTACTAACACAAAATGTT[T>C]CGTTTTGTTTTTAACTTCATTGTTTCTGCTCTCTAGGGCTTGGATTTTGAGGCCAAGCAG-3'

ClinVar aggregate classification (germline): Uncertain significance (1 of 4 stars; one submission).

Conditions:
Hereditary diffuse gastric adenocarcinoma (HDGC). Also called: DIFFUSE GASTRIC AND LOBULAR BREAST CANCER SYNDROME. Identifiers: Orphanet 26106, MedGen C1708349, MONDO:0007648, OMIM 137215.

Allele frequency attached by ClinVar (database versions not stated): TOPMed below 0.00001; gnomAD exomes 0.00008.
gnomAD v4.1: 119 of 1,613,562 alleles (0.0074%); highest among the groups gnomAD compares: Non-Finnish European, 0.0099%; no homozygotes.

Submission:

European Reference Network on Genetic Tumour Risk Syndromes (ERN-GENTURIS), i3s - Instituto de Investigação e Inovação em Saúde, University of Porto
Classification: Uncertain significance for Hereditary diffuse gastric adenocarcinoma. Last evaluated: 2022-08-01. Review status: criteria provided, single submitter. Criteria: Lee et al. (Hum Mutat. 2018). Collection method: clinical testing. Allele origin: germline. Inheritance: Autosomal dominant inheritance. Affected: no. Study: ERN GENTURIS.
Comment: Not applicable criteria (PMID: 30311375)

Literature cited by the submitters: PubMed 36436516.